The following is an entry in ClinVar:

NM_005144.5(HR):c.1359G>A (p.Ser453=)

Gene: HR (HR lysine demethylase and nuclear receptor corepressor; minus strand). Cytogenetic location: 8p21.3.
Variant type: single nucleotide variant.
Coding change: c.1359G>A on transcript NM_005144.5 (MANE Select); coding-DNA position 1359, G replaced by A.
Protein change: p.Ser453=; no amino-acid change (serine 453 retained).
Molecular consequence: synonymous variant.
Genome position (GRCh38, 1-based): chr8:22,127,083, C>T on the plus strand (G>A on the coding strand, the complement: HR is on the minus strand). VCF-style: chr8-22127083-C-T. GRCh37 (hg19) VCF-style: chr8-21984596-C-T.
Other names: c.1359G>A, p.Ser453= (NM_018411.4).
Identifiers: ClinVar variation 910113 (VCV000910113.32), dbSNP rs78489044, ClinGen allele CA4662503.

ClinVar aggregate classification (germline): Benign. Review status: criteria provided, multiple submitters, no conflicts (2 of 4 stars). 5 submissions from 4 submitters: Benign (5). Last evaluated 2026-01-21.

Conditions:
Alopecia universalis congenita (ALUNC). Also called: ATRICHIA, GENERALIZED. Identifiers: Orphanet 701, MedGen C1859877, MONDO:0008757, OMIM 203655.
Atrichia with papular lesions (APL). Also called: PAPULAR ATRICHIA. Identifiers: Orphanet 86819, MedGen C1859592, MONDO:0008847, OMIM 209500.

Allele frequency attached by ClinVar (database versions not stated): 1000 Genomes Project 0.00359; 1000 Genomes Project 30x 0.00359; TOPMed 0.00796; ESP Exome Variant Server 0.00879; gnomAD exomes 0.00909 and 0.01122; ExAC 0.00977.
gnomAD v4.1: 17,617 of 1,611,904 alleles (1.1%); highest among the groups gnomAD compares: Non-Finnish European, 1.3%; 127 homozygotes.

Submissions (5):

Labcorp Genetics (formerly Invitae), Labcorp
Classification: Benign. Last evaluated: 2026-01-21. Review status: criteria provided, single submitter. Criteria: Invitae Variant Classification Sherloc (09022015). Collection method: clinical testing. Allele origin: germline.

CeGaT Center for Human Genetics Tuebingen
Classification: Benign. Last evaluated: 2025-06-01. Review status: criteria provided, single submitter. Criteria: CeGaT Center For Human Genetics Tuebingen Variant Classification Criteria Version 2. Collection method: clinical testing. Allele origin: germline. Affected: yes. Observed: 3 variant alleles.
Comment: HR: BP4, BP7, BS1, BS2

Illumina Laboratory Services, Illumina
Classification: Benign for Atrichia with papular lesions. Last evaluated: 2018-01-13. Review status: criteria provided, single submitter. Criteria: ICSL Variant Classification Criteria 13 December 2019. Collection method: clinical testing. Allele origin: germline.
Comment: This variant was observed in the ICSL laboratory as part of a predisposition screen in an ostensibly healthy population. It had not been previously curated by ICSL or reported in the Human Gene Mutation Database (HGMD: prior to June 1st, 2018), and was therefore a candidate for classification through an automated scoring system. Utilizing variant allele frequency, disease prevalence and penetrance estimates, and inheritance mode, an automated score was calculated to assess if this variant is too frequent to cause the disease. Based on the score and internal cut-off values, a variant classified as benign is not then subjected to further curation. The score for this variant resulted in a classification of benign for this disease.

Illumina Laboratory Services, Illumina
Classification: Benign for Alopecia universalis congenita. Last evaluated: 2018-01-13. Review status: criteria provided, single submitter. Criteria: ICSL Variant Classification Criteria 13 December 2019. Collection method: clinical testing. Allele origin: germline.
Comment: the same text as in the submission from Illumina Laboratory Services, Illumina above.

Breakthrough Genomics
Classification: Benign. Review status: criteria provided, single submitter. Criteria: ACMG Guidelines, 2015. Collection method: not provided. Allele origin: germline. Inheritance: Autosomal recessive inheritance. Affected: yes.